The following is an entry in ClinVar:

ClinVar aggregate classification (germline): Likely benign. Review status: criteria provided, single submitter (1 of 4 stars). 2 submissions from 2 submitters: Likely benign (1). 1 of the submissions does not count toward it. Last evaluated 2024-10-25.

Conditions:
FRAS1-related disorder. Also called: FRAS1-related condition.

Allele frequency attached by ClinVar (database versions not stated): gnomAD 0.00001; ExAC 0.00002; ESP Exome Variant Server 0.00008; gnomAD exomes 0.00002; TOPMed 0.00007.
gnomAD v4.1: 28 of 1,609,286 alleles (0.0017%); highest among the groups gnomAD compares: Non-Finnish European, 0.002%; no homozygotes.

Submissions (2):

Labcorp Genetics (formerly Invitae), Labcorp
Classification: Likely benign. Last evaluated: 2024-10-25. Review status: criteria provided, single submitter. Criteria: Invitae Variant Classification Sherloc (09022015). Collection method: clinical testing. Allele origin: germline.

PreventionGenetics, part of Exact Sciences
Classification: Likely benign for FRAS1-related condition. Last evaluated: 2024-06-06. Review status: no assertion criteria provided. Collection method: clinical testing. Allele origin: germline. Not counted in ClinVar's aggregate classification.
Comment: This variant is classified as likely benign based on ACMG/AMP sequence variant interpretation guidelines (Richards et al. 2015 PMID: 25741868, with internal and published modifications).

NM_025074.7(FRAS1):c.10557C>T (p.Ser3519=)

Gene: FRAS1 (Fraser extracellular matrix complex subunit 1; plus strand). Cytogenetic location: 4q21.21.
Variant type: single nucleotide variant.
Coding change: c.10557C>T on transcript NM_025074.7 (MANE Select); coding-DNA position 10557, C replaced by T.
Protein change: p.Ser3519=; no amino-acid change (serine 3519 retained).
Molecular consequence: synonymous variant.
Genome position (GRCh38, 1-based): chr4:78,521,539, C>T. VCF-style: chr4-78521539-C-T. GRCh37 (hg19) VCF-style: chr4-79442693-C-T.
Identifiers: ClinVar variation 742746 (VCV000742746.7), dbSNP rs371705914, ClinGen allele CA2979008.